The following is an entry in ClinVar:

ClinVar aggregate classification (germline): Uncertain significance. Review status: criteria provided, multiple submitters, no conflicts (2 of 4 stars). 3 submissions from 3 submitters: Uncertain significance (3). Last evaluated 2026-01-05.

Conditions:
Inborn genetic diseases. Identifiers: MedGen C0950123, MeSH D030342.

Allele frequency attached by ClinVar (database versions not stated): gnomAD 0.00011 and 0.00012; TOPMed 0.00012; ESP Exome Variant Server 0.00015; gnomAD exomes 0.00015 and 0.00027; ExAC 0.00016.
gnomAD v4.1: 404 of 1,613,902 alleles (0.025%); highest among the groups gnomAD compares: Non-Finnish European, 0.033%; no homozygotes.

Submissions (3):

Labcorp Genetics (formerly Invitae), Labcorp
Classification: Uncertain significance. Last evaluated: 2026-01-05. Review status: criteria provided, single submitter. Criteria: Invitae Variant Classification Sherloc (09022015). Collection method: clinical testing. Allele origin: germline.
Comment: This sequence change replaces methionine, which is neutral and non-polar, with threonine, which is neutral and polar, at codon 31 of the TTLL5 protein (p.Met31Thr). This variant is present in population databases (rs139124485, gnomAD 0.03%). This variant has not been reported in the literature in individuals affected with TTLL5-related conditions. ClinVar contains an entry for this variant (Variation ID: 1011024). Invitae Evidence Modeling of protein sequence and biophysical properties (such as structural, functional, and spatial information, amino acid conservation, physicochemical variation, residue mobility, and thermodynamic stability) indicates that this missense variant is not expected to disrupt TTLL5 protein function with a negative predictive value of 80%. In summary, the available evidence is currently insufficient to determine the role of this variant in disease. Therefore, it has been classified as a Variant of Uncertain Significance.

Ambry Genetics
Classification: Uncertain significance for Inborn genetic diseases. Last evaluated: 2024-12-22. Review status: criteria provided, single submitter. Criteria: Ambry Variant Classification Scheme 2023. Collection method: clinical testing. Allele origin: germline.

Blueprint Genetics
Classification: Uncertain significance. Last evaluated: 2024-09-26. Review status: criteria provided, single submitter. Criteria: ACMG Guidelines, 2015. Collection method: clinical testing. Allele origin: germline.

NM_015072.5(TTLL5):c.92T>C (p.Met31Thr)

Gene: TTLL5 (tubulin tyrosine ligase like 5; plus strand). Cytogenetic location: 14q24.3.
Variant type: single nucleotide variant.
Coding change: c.92T>C on transcript NM_015072.5 (MANE Select); coding-DNA position 92, T replaced by C.
Protein change: p.Met31Thr; replaces methionine 31 with threonine.
Molecular consequence: missense variant.
Genome position (GRCh38, 1-based): chr14:75,669,433, T>C. VCF-style: chr14-75669433-T-C. GRCh37 (hg19) VCF-style: chr14-76135776-T-C.
Other names: c.92T>C (NM_015072.4); short protein forms M31T.
Identifiers: ClinVar variation 1011024 (VCV001011024.11), dbSNP rs139124485, ClinGen allele CA7278805.